The following is an entry in ClinVar:

ClinVar aggregate classification (germline): Pathogenic (1 of 4 stars; one submission).

Allele frequency attached by ClinVar (database versions not stated): TOPMed below 0.00001; ExAC 0.00001; gnomAD exomes 0.00001; ESP Exome Variant Server 0.00008.
gnomAD v4.1: 11 of 1,613,814 alleles (0.00068%); highest among the groups gnomAD compares: Non-Finnish European, 0.00093%; no homozygotes.

Submission:

Labcorp Genetics (formerly Invitae), Labcorp
Classification: Pathogenic. Last evaluated: 2023-07-10. Review status: criteria provided, single submitter. Criteria: Invitae Variant Classification Sherloc (09022015). Collection method: clinical testing. Allele origin: germline.
Comment: For these reasons, this variant has been classified as Pathogenic. ClinVar contains an entry for this variant (Variation ID: 2166822). This variant has not been reported in the literature in individuals affected with RXYLT1-related conditions. This variant is present in population databases (rs369137385, gnomAD 0.0009%). This sequence change creates a premature translational stop signal (p.Gln129*) in the RXYLT1 gene. It is expected to result in an absent or disrupted protein product. Loss-of-function variants in RXYLT1 are known to be pathogenic (PMID: 23217329, 23519211, 31742715).

Literature cited by the submitters: PubMed 23217329; PubMed 23519211; PubMed 31742715.

NM_014254.3(RXYLT1):c.385C>T (p.Gln129Ter)

Gene: RXYLT1 (ribitol xylosyltransferase 1; plus strand). Cytogenetic location: 12q14.2.
Variant type: single nucleotide variant.
Coding change: c.385C>T on transcript NM_014254.3 (MANE Select); coding-DNA position 385, C replaced by T.
Protein change: p.Gln129Ter; replaces glutamine 129 with a stop codon.
Molecular consequence: nonsense. On other transcripts: 5 prime UTR variant (1).
Genome position (GRCh38, 1-based): chr12:63,785,029, C>T. VCF-style: chr12-63785029-C-T. GRCh37 (hg19) VCF-style: chr12-64178809-C-T.
Other names: c.-396C>T (NM_001278237.2); short protein forms Q129*.
Identifiers: ClinVar variation 2166822 (VCV002166822.4), dbSNP rs369137385, ClinGen allele CA6666087.